The following is an entry in ClinVar:

ClinVar aggregate classification (germline): Likely benign (0 of 4 stars; one submission).

Conditions:
FOXP2-related disorder. Also called: FOXP2-related condition.

Allele frequency attached by ClinVar (database versions not stated): gnomAD exomes below 0.00001; ExAC 0.00001.
gnomAD v4.1: 1 of 1,612,312 alleles (0.000062%); highest among the groups gnomAD compares: Admixed American, 0.0017%; no homozygotes.

Submission:

PreventionGenetics, part of Exact Sciences
Classification: Likely benign for FOXP2-related condition. Last evaluated: 2021-07-08. Review status: no assertion criteria provided. Collection method: clinical testing. Allele origin: germline.
Comment: This variant is classified as likely benign based on ACMG/AMP sequence variant interpretation guidelines (Richards et al. 2015 PMID: 25741868, with internal and published modifications).

NM_014491.4(FOXP2):c.1648-9C>T

Gene: FOXP2 (forkhead box P2; plus strand). Cytogenetic location: 7q31.1.
Variant type: single nucleotide variant.
Coding change: c.1648-9C>T on transcript NM_014491.4 (MANE Select); 9 bases into the intron before coding-DNA position 1648, C replaced by T.
Molecular consequence: intron variant.
Genome position (GRCh38, 1-based): chr7:114,662,056, C>T. VCF-style: chr7-114662056-C-T. GRCh37 (hg19) VCF-style: chr7-114302111-C-T.
Other names: c.1723-9C>T (NM_148898.4); c.1699-9C>T (NM_148900.4); c.1645-9C>T (NM_001172766.3).
Identifiers: ClinVar variation 3029723 (VCV003029723.2), dbSNP rs779514359, ClinGen allele CA4446174.